The following is an entry in ClinVar:

NM_002529.4(NTRK1):c.1024C>T (p.Arg342Trp)

Gene: NTRK1 (neurotrophic receptor tyrosine kinase 1; plus strand). Cytogenetic location: 1q23.1.
Variant type: single nucleotide variant.
Coding change: c.1024C>T on transcript NM_002529.4 (MANE Select); coding-DNA position 1024, C replaced by T.
Protein change: p.Arg342Trp; replaces arginine 342 with tryptophan.
Molecular consequence: missense variant.
Genome position (GRCh38, 1-based): chr1:156,873,806, C>T. VCF-style: chr1-156873806-C-T. GRCh37 (hg19) VCF-style: chr1-156843598-C-T.
Other names: c.934C>T, p.Arg312Trp (NM_001007792.1); c.1024C>T, p.Arg342Trp (NM_001012331.2); short protein forms R342W, R312W.
Identifiers: ClinVar variation 847906 (VCV000847906.10), dbSNP rs375878564, ClinGen allele CA31115290.
Genomic context (GRCh38, chr1:156,873,806, plus strand): 5'-CTCAATGAGACCAGCTTCATCTTCACTGAGTTCCTGGAGCCGGCAGCCAATGAGACCGTG[C>T]GGCACGGGTGTCTGCGCCTCAACCAGCCCACCCACGTCAACAACGGCAACTACACGCTGC-3'
Protein context (NP_002520.2, residues 332-352): FLEPAANETV[Arg342Trp]HGCLRLNQPT

ClinVar aggregate classification (germline): Uncertain significance. Review status: criteria provided, single submitter (1 of 4 stars). 2 submissions from 2 submitters: Uncertain significance (1). 1 of the submissions does not count toward it. Last evaluated 2022-05-08.

Conditions:
Hereditary insensitivity to pain with anhidrosis (CIPA). Also called: hereditary sensory and autonomic neuropathy type 4; FAMILIAL DYSAUTONOMIA, TYPE II; INSENSITIVITY TO PAIN, CONGENITAL, WITH ANHIDROSIS; NEUROPATHY, CONGENITAL SENSORY, WITH ANHIDROSIS; NTRK1 Congenital Insensitivity to Pain with Anhidrosis; HSAN Type IV. Identifiers: Orphanet 642, MedGen C0020074, MONDO:0009746, OMIM 256800.

Allele frequency attached by ClinVar (database versions not stated): gnomAD exomes 0.00001 and 0.00002; TOPMed 0.00002; ESP Exome Variant Server 0.00008.
gnomAD v4.1: 17 of 1,612,826 alleles (0.0011%); highest among the groups gnomAD compares: Admixed American, 0.0084%; no homozygotes.

Submissions (2):

Labcorp Genetics (formerly Invitae), Labcorp
Classification: Uncertain significance for Hereditary insensitivity to pain with anhidrosis. Last evaluated: 2022-05-08. Review status: criteria provided, single submitter. Criteria: Invitae Variant Classification Sherloc (09022015). Collection method: clinical testing. Allele origin: germline.
Comment: This sequence change replaces arginine, which is basic and polar, with tryptophan, which is neutral and slightly polar, at codon 342 of the NTRK1 protein (p.Arg342Trp). This variant is present in population databases (rs375878564, gnomAD 0.009%). This variant has not been reported in the literature in individuals affected with NTRK1-related conditions. ClinVar contains an entry for this variant (Variation ID: 847906). Algorithms developed to predict the effect of missense changes on protein structure and function are either unavailable or do not agree on the potential impact of this missense change (SIFT: "Deleterious"; PolyPhen-2: "Possibly Damaging"; Align-GVGD: "Class C0"). In summary, the available evidence is currently insufficient to determine the role of this variant in disease. Therefore, it has been classified as a Variant of Uncertain Significance.

Natera, Inc.
Classification: Uncertain significance for Hereditary insensitivity to pain with anhidrosis. Last evaluated: 2020-03-16. Review status: no assertion criteria provided. Collection method: clinical testing. Allele origin: germline. Not counted in ClinVar's aggregate classification.